The following is an entry in ClinVar:

ClinVar aggregate classification (germline): Uncertain significance (1 of 4 stars; one submission).

Allele frequency attached by ClinVar (database versions not stated): gnomAD exomes below 0.00001.
gnomAD v4.1: 3 of 1,607,624 alleles (0.00019%); highest among the groups gnomAD compares: Admixed American, 0.0033%; no homozygotes.

Submission:

Labcorp Genetics (formerly Invitae), Labcorp
Classification: Uncertain significance. Last evaluated: 2022-02-05. Review status: criteria provided, single submitter. Criteria: Invitae Variant Classification Sherloc (09022015). Collection method: clinical testing. Allele origin: germline.
Comment: This sequence change replaces isoleucine, which is neutral and non-polar, with valine, which is neutral and non-polar, at codon 322 of the CERKL protein (p.Ile322Val). This variant is present in population databases (no rsID available, gnomAD 0.006%). This variant has not been reported in the literature in individuals affected with CERKL-related conditions. Algorithms developed to predict the effect of missense changes on protein structure and function are either unavailable or do not agree on the potential impact of this missense change (SIFT: "Tolerated"; PolyPhen-2: "Possibly Damaging"; Align-GVGD: "Class C0"). In summary, the available evidence is currently insufficient to determine the role of this variant in disease. Therefore, it has been classified as a Variant of Uncertain Significance.

NM_201548.5(CERKL):c.886A>G (p.Ile296Val)

Gene: CERKL (CERK like autophagy regulator; minus strand). Cytogenetic location: 2q31.3.
Variant type: single nucleotide variant.
Coding change: c.886A>G on transcript NM_201548.5 (MANE Select); coding-DNA position 886, A replaced by G.
Protein change: p.Ile296Val; replaces isoleucine 296 with valine.
Molecular consequence: missense variant. On other transcripts: non-coding transcript variant (2).
Genome position (GRCh38, 1-based): chr2:181,549,643, T>C on the plus strand (A>G on the coding strand, the complement: CERKL is on the minus strand). VCF-style: chr2-181549643-T-C. GRCh37 (hg19) VCF-style: chr2-182414370-T-C.
Other names: c.964A>G, p.Ile322Val (NM_001030311.3); c.547A>G, p.Ile183Val (NM_001030312.3); c.679A>G, p.Ile227Val (NM_001030313.3); c.*168A>G (NM_001030314.1, NM_001030315.1); c.832A>G, p.Ile278Val (NM_001160277.2); short protein forms I183V, I278V, I227V, I322V, I296V.
Identifiers: ClinVar variation 2166459 (VCV002166459.1), dbSNP rs1225818284, ClinGen allele CA349737694.